The following is an entry in ClinVar:

NM_001918.5(DBT):c.457del (p.Thr153fs)

Gene: DBT (dihydrolipoamide branched chain transacylase E2; minus strand). Cytogenetic location: 1p21.2.
Variant type: Deletion.
Coding change: c.457del on transcript NM_001918.5 (MANE Select); coding-DNA position 457, one base deleted (A; older notation c.457delA).
Protein change: p.Thr153fs; shifts the reading frame from threonine 153.
Molecular consequence: frameshift variant. On other transcripts: 5 prime UTR variant (2), non-coding transcript variant (4).
Genome position (GRCh38, 1-based): chr1:100,218,724, T deleted on the plus strand (A on the coding strand, the reverse complement: DBT is on the minus strand); the first of 3 consecutive T bases (chr1:100,218,724-100,218,726); deleting any one gives the same sequence. VCF-style (leftmost placement, unchanged base first): chr1-100218723-GT-G. GRCh37 (hg19) VCF-style: chr1-100684279-GT-G.
Other names: c.-87del (NM_001399969.1, NM_001399972.1); c.457del (NM_001918.3); short protein forms T153fs.
Identifiers: ClinVar variation 2122776 (VCV002122776.6), dbSNP rs2524165156, ClinGen allele CA2580060674.

ClinVar aggregate classification (germline): Pathogenic/Likely pathogenic. Review status: criteria provided, multiple submitters, no conflicts (2 of 4 stars). 2 submissions from 2 submitters: Pathogenic (1); Likely pathogenic (1). Last evaluated 2023-06-08.

Conditions:
Maple syrup urine disease (MSUD). Identifiers: Orphanet 511, MedGen C0024776, MeSH D008375, MONDO:0009563. Disease mechanism: loss of function.

Submissions (2):

Baylor Genetics
Classification: Likely pathogenic for Maple syrup urine disease type 1A. Last evaluated: 2023-06-08. Review status: criteria provided, single submitter. Criteria: ACMG Guidelines, 2015. Collection method: clinical testing. Allele origin: unknown.

Labcorp Genetics (formerly Invitae), Labcorp
Classification: Pathogenic for Maple syrup urine disease. Last evaluated: 2022-11-15. Review status: criteria provided, single submitter. Criteria: Invitae Variant Classification Sherloc (09022015). Collection method: clinical testing. Allele origin: germline.
Comment: For these reasons, this variant has been classified as Pathogenic. This variant has not been reported in the literature in individuals affected with DBT-related conditions. This variant is not present in population databases (gnomAD no frequency). This sequence change creates a premature translational stop signal (p.Thr153Leufs*14) in the DBT gene. It is expected to result in an absent or disrupted protein product. Loss-of-function variants in DBT are known to be pathogenic (PMID: 16579849, 16786533).

Literature cited by the submitters: PubMed 16579849 (cited by Labcorp Genetics (formerly Invitae), Labcorp); PubMed 16786533 (cited by Labcorp Genetics (formerly Invitae), Labcorp).